The following is an entry in ClinVar:

ClinVar aggregate classification (germline): Uncertain significance (1 of 4 stars; one submission).

Conditions:
Fanconi anemia (FA). Also called: Fanconi's anemia. Identifiers: Orphanet 84, MedGen C0015625, MeSH D005199, MONDO:0019391.

Allele frequency attached by ClinVar (database versions not stated): gnomAD exomes below 0.00001; gnomAD 0.00001.
gnomAD v4.1: 2 of 1,613,392 alleles (0.00012%); highest among the groups gnomAD compares: Non-Finnish European, 0.00017%; no homozygotes.

Submission:

Labcorp Genetics (formerly Invitae), Labcorp
Classification: Uncertain significance for Fanconi anemia. Last evaluated: 2016-02-11. Review status: criteria provided, single submitter. Criteria: Invitae Variant Classification Sherloc (09022015). Collection method: clinical testing. Allele origin: germline.
Comment: In summary, this is a novel missense change that is not predicted to affect protein function or cause disease. However, the evidence is insufficient at this time to prove that conclusively. It has been classified as a Variant of Uncertain Significance. Algorithms developed to predict the effect of missense changes on protein structure and function (SIFT, PolyPhen-2, Align-GVGD) all suggest that this variant is likely to be tolerated, but these predictions have not been confirmed by published functional studies. In addition, the aspartic acid amino acid residue is found in multiple mammalian species, suggesting that this missense change does not adversely affect protein function. This variant is not present in population databases (ExAC no frequency) and has not been reported in the literature in individuals with a SLX4-related disease. This sequence change replaces asparagine with aspartic acid at codon 1225 of the SLX4 protein (p.Asn1225Asp). The asparagine residue is moderately conserved and there is a small physicochemical difference between asparagine and aspartic acid.

NM_032444.4(SLX4):c.3673A>G (p.Asn1225Asp)

Gene: SLX4 (SLX4 structure-specific endonuclease subunit; minus strand). Cytogenetic location: 16p13.3.
Variant type: single nucleotide variant.
Coding change: c.3673A>G on transcript NM_032444.4 (MANE Select); coding-DNA position 3673, A replaced by G.
Protein change: p.Asn1225Asp; replaces asparagine 1225 with aspartic acid.
Molecular consequence: missense variant.
Genome position (GRCh38, 1-based): chr16:3,589,965, T>C on the plus strand (A>G on the coding strand, the complement: SLX4 is on the minus strand). VCF-style: chr16-3589965-T-C. GRCh37 (hg19) VCF-style: chr16-3639966-T-C.
Other names: c.3673A>G (LRG_503t1); short protein forms N1225D.
Identifiers: ClinVar variation 241681 (VCV000241681.8), dbSNP rs878855161, ClinGen allele CA10583392.